The following is an entry in ClinVar:

ClinVar aggregate classification (germline): Uncertain significance (1 of 4 stars; one submission).

Conditions:
Juvenile onset Parkinson disease 19A. Also called: PARK19; DNAJC6 Parkinson Disease. Identifiers: Orphanet 391411, MedGen C3809811, MONDO:0014231, OMIM 615528.

Allele frequency attached by ClinVar (database versions not stated): TOPMed 0.00001; gnomAD 0.00002 and 0.00003; gnomAD exomes 0.00006.
gnomAD v4.1: 83 of 1,527,682 alleles (0.0054%); highest among the groups gnomAD compares: East Asian, 0.21%; 1 homozygote.

Submission:

Labcorp Genetics (formerly Invitae), Labcorp
Classification: Uncertain significance for Juvenile onset Parkinson disease 19A. Last evaluated: 2018-07-23. Review status: criteria provided, single submitter. Criteria: Invitae Variant Classification Sherloc (09022015). Collection method: clinical testing. Allele origin: germline.
Comment: This sequence change replaces serine with glycine at codon 59 of the DNAJC6 protein (p.Ser59Gly). The serine residue is weakly conserved and there is a small physicochemical difference between serine and glycine. While this variant is not present in population databases, the frequency information is unreliable, as metrics indicate poor data quality at this position in the ExAC database. This variant has not been reported in the literature in individuals with DNAJC6-related disease. Algorithms developed to predict the effect of missense changes on protein structure and function (SIFT, PolyPhen-2, Align-GVGD) all suggest that this variant is likely to be tolerated, but these predictions have not been confirmed by published functional studies and their clinical significance is uncertain. In summary, the available evidence is currently insufficient to determine the role of this variant in disease. Therefore, it has been classified as a Variant of Uncertain Significance.

NM_001256864.2(DNAJC6):c.175A>G (p.Ser59Gly)

Gene: DNAJC6 (DnaJ heat shock protein family (Hsp40) member C6; plus strand). Cytogenetic location: 1p31.3.
Variant type: single nucleotide variant.
Coding change: c.175A>G on transcript NM_001256864.2 (MANE Select); coding-DNA position 175, A replaced by G.
Protein change: p.Ser59Gly; replaces serine 59 with glycine.
Molecular consequence: missense variant. On other transcripts: intron variant (2).
Genome position (GRCh38, 1-based): chr1:65,309,920, A>G. VCF-style: chr1-65309920-A-G. GRCh37 (hg19) VCF-style: chr1-65775603-A-G.
Other names: c.-130-35691A>G (NM_001256865.2); c.22+44988A>G (NM_014787.4); short protein forms S59G.
Identifiers: ClinVar variation 641135 (VCV000641135.8), dbSNP rs1296532855, ClinGen allele CA340663648.